The following is an entry in ClinVar:

ClinVar aggregate classification (germline): Uncertain significance (1 of 4 stars; one submission).

Conditions:
Developmental and epileptic encephalopathy 92. Also called: EPILEPTIC ENCEPHALOPATHY, INFANTILE OR EARLY CHILDHOOD, 2. Identifiers: MedGen C4693362, MONDO:0020631, OMIM 617829.

Submission:

Institute of Human Genetics, University of Leipzig Medical Center
Classification: Uncertain significance for Developmental and epileptic encephalopathy 92. Last evaluated: 2022-10-14. Review status: criteria provided, single submitter. Criteria: ACMG Guidelines, 2015. Collection method: clinical testing. Allele origin: unknown. Affected: yes.
Comment: _x000D_ Criteria applied: PM1, PM2_SUP, PP2, PP3

NM_001371727.1(GABRB2):c.956C>T (p.Ala319Val)

Gene: GABRB2 (gamma-aminobutyric acid type A receptor subunit beta2; minus strand). Cytogenetic location: 5q34.
Variant type: single nucleotide variant.
Coding change: c.956C>T on transcript NM_001371727.1 (MANE Select); coding-DNA position 956, C replaced by T.
Protein change: p.Ala319Val; replaces alanine 319 with valine.
Molecular consequence: missense variant.
Genome position (GRCh38, 1-based): chr5:161,331,004, G>A on the plus strand (C>T on the coding strand, the complement: GABRB2 is on the minus strand). VCF-style: chr5-161331004-G-A. GRCh37 (hg19) VCF-style: chr5-160758011-G-A.
Other names: c.956C>T, p.Ala319Val (NM_000813.3, NM_021911.3); short protein forms A319V.
Identifiers: ClinVar variation 1712337 (VCV001712337.1), dbSNP rs2546555570, ClinGen allele CA362175247.